The following is an entry in ClinVar:

ClinVar aggregate classification (germline): Uncertain significance. Review status: criteria provided, multiple submitters, no conflicts (2 of 4 stars). 4 submissions from 4 submitters: Uncertain significance (4). Last evaluated 2025-04-01.

Conditions:
Inborn genetic diseases. Identifiers: MedGen C0950123, MeSH D030342.
Cockayne syndrome type 2 (CSB). Also called: Cockayne Syndrome, Type II; COCKAYNE SYNDROME B. Identifiers: Orphanet 191, Orphanet 90322, MedGen C0751038, MONDO:0019570, OMIM 133540.

Allele frequency attached by ClinVar (database versions not stated): gnomAD 0.00001; ExAC 0.00002; gnomAD exomes 0.00002.
gnomAD v4.1: 32 of 1,612,618 alleles (0.002%); highest among the groups gnomAD compares: East Asian, 0.0045%; no homozygotes.

Submissions (4):

CeGaT Center for Human Genetics Tuebingen
Classification: Uncertain significance. Last evaluated: 2025-04-01. Review status: criteria provided, single submitter. Criteria: CeGaT Center For Human Genetics Tuebingen Variant Classification Criteria Version 2. Collection method: clinical testing. Allele origin: germline. Affected: yes. Observed: 1 variant allele.

Ambry Genetics
Classification: Uncertain significance for Inborn genetic diseases. Last evaluated: 2025-03-27. Review status: criteria provided, single submitter. Criteria: Ambry Variant Classification Scheme 2023. Collection method: clinical testing. Allele origin: germline.

Genomic Medicine Center of Excellence, King Faisal Specialist Hospital and Research Centre
Classification: Uncertain significance for Cockayne syndrome type 2. Last evaluated: 2024-12-18. Review status: criteria provided, single submitter. Criteria: ACMG Guidelines, 2015. Collection method: clinical testing. Allele origin: germline.

Labcorp Genetics (formerly Invitae), Labcorp
Classification: Uncertain significance. Last evaluated: 2022-05-25. Review status: criteria provided, single submitter. Criteria: Invitae Variant Classification Sherloc (09022015). Collection method: clinical testing. Allele origin: germline.
Comment: This sequence change replaces arginine, which is basic and polar, with histidine, which is basic and polar, at codon 767 of the ERCC6 protein (p.Arg767His). This variant is present in population databases (rs56397747, gnomAD 0.005%). This variant has not been reported in the literature in individuals affected with ERCC6-related conditions. Algorithms developed to predict the effect of missense changes on protein structure and function are either unavailable or do not agree on the potential impact of this missense change (SIFT: "Deleterious"; PolyPhen-2: "Benign"; Align-GVGD: "Class C25"). In summary, the available evidence is currently insufficient to determine the role of this variant in disease. Therefore, it has been classified as a Variant of Uncertain Significance.

NM_000124.4(ERCC6):c.2300G>A (p.Arg767His)

Gene: ERCC6 (ERCC excision repair 6, chromatin remodeling factor; minus strand). Cytogenetic location: 10q11.23.
Variant type: single nucleotide variant.
Coding change: c.2300G>A on transcript NM_000124.4 (MANE Select); coding-DNA position 2300, G replaced by A.
Protein change: p.Arg767His; replaces arginine 767 with histidine.
Molecular consequence: missense variant.
Genome position (GRCh38, 1-based): chr10:49,476,297, C>T on the plus strand (G>A on the coding strand, the complement: ERCC6 is on the minus strand). VCF-style: chr10-49476297-C-T. GRCh37 (hg19) VCF-style: chr10-50684343-C-T.
Other names: c.2300G>A, p.Arg767His (NM_001346440.2); c.2300G>A (NM_000124.2); short protein forms R767H.
Identifiers: ClinVar variation 1386392 (VCV001386392.14), dbSNP rs56397747, ClinGen allele CA5495695.